The following is an entry in ClinVar:

NM_000540.3(RYR1):c.13332C>T (p.Gly4444=)

Genes: RYR1 (ryanodine receptor 1; plus strand), LOC130064357 (ATAC-STARR-seq lymphoblastoid silent region 10577; plus strand). Cytogenetic location: 19q13.2.
Variant type: single nucleotide variant.
Coding change: c.13332C>T on transcript NM_000540.3 (MANE Select); coding-DNA position 13332, C replaced by T.
Protein change: p.Gly4444=; no amino-acid change (glycine 4444 retained).
Molecular consequence: synonymous variant.
Genome position (GRCh38, 1-based): chr19:38,565,666, C>T. VCF-style: chr19-38565666-C-T. GRCh37 (hg19) VCF-style: chr19-39056306-C-T.
Other names: c.13317C>T, p.Gly4439= (NM_001042723.2).
Identifiers: ClinVar variation 1012452 (VCV001012452.45), dbSNP rs745683436, ClinGen allele CA059730.

ClinVar aggregate classification (germline): Benign/Likely benign. Review status: criteria provided, multiple submitters, no conflicts (2 of 4 stars). 2 submissions from 2 submitters: Benign (1); Likely benign (1). Last evaluated 2025-08-21.

Conditions:
RYR1-related disorder. Also called: RYR1-related condition; RYR1-related disorders. Identifiers: MedGen CN239331.

Allele frequency attached by ClinVar (database versions not stated): ExAC below 0.00001; TOPMed 0.00002; gnomAD 0.00008; gnomAD exomes 0.00019.
gnomAD v4.1: 24 of 1,390,346 alleles (0.0017%); highest among the groups gnomAD compares: East Asian, 0.045%; no homozygotes.

Submissions (2):

Labcorp Genetics (formerly Invitae), Labcorp
Classification: Benign for RYR1-related disorder. Last evaluated: 2025-08-21. Review status: criteria provided, single submitter. Criteria: Invitae Variant Classification Sherloc (09022015). Collection method: clinical testing. Allele origin: germline.

CeGaT Center for Human Genetics Tuebingen
Classification: Likely benign. Last evaluated: 2024-10-01. Review status: criteria provided, single submitter. Criteria: CeGaT Center For Human Genetics Tuebingen Variant Classification Criteria Version 2. Collection method: clinical testing. Allele origin: germline. Affected: yes. Observed: 3 variant alleles.
Comment: RYR1: BP4, BP7